The following is an entry in ClinVar:

ClinVar aggregate classification (germline): Pathogenic (1 of 4 stars; one submission).

Submission:

Quest Diagnostics Nichols Institute San Juan Capistrano
Classification: Pathogenic. Last evaluated: 2023-03-29. Review status: criteria provided, single submitter. Criteria: ACMG/ClinGen CNV Guidelines, 2019. Collection method: clinical testing. Allele origin: unknown.
Comment: The deletion of 6q15q21 involves multiple protein-coding genes. Similar or smaller deletions within the current interval have been identified in several individuals with variable expressivity of a Prader-Willi syndrome-like phenotype (Bonaglia 2008, Chaves 2019, Faivre 2002, Kasher 2016, Khattabi 2015, Strunk 2016). There are no similar copy number losses spanning this region in the general populations of the Database of Genomic Variants. Based on current medical literature and gene content, this copy number variant (CNV) is classified as pathogenic. References:_x000D__x000D_ Bonaglia et al., Eur J Hum Genet. 2008 Dec;16(12):1443-9. PMID: 18648397_x000D__x000D_ Chaves et al., Sci Rep. 2019 Nov 28;9(1):17776. PMID: 31780800_x000D__x000D_ Faivre et al., J Med Genet. 2002 Aug;39(8):594-6. PMID: 12161602_x000D__x000D_ Kasher et al., Am J Hum Genet. 2016 Feb 4;98(2):363-72. PMID: 26833329_x000D__x000D_ Khattabi et al., Eur J Hum Genet. 2015 Aug;23(8):1010-8. PMID: 25351778_x000D__x000D_ Strunk et al., Mol Cytogenet. 2016 Dec 3;9:88. PMID: 27980676_x000D__x000D_

GRCh37/hg19 6q15-21(chr6:92468126-109410569)x1

Genes: AFG1L (AFG1 like ATPase; plus strand), ARMC2 (armadillo repeat containing 2; plus strand), ASCC3 (activating signal cointegrator 1 complex subunit 3; minus strand), ATG5 (autophagy related 5; minus strand), BEND3 (BEN domain containing 3; minus strand) and 40 more. Cytogenetic location: 6q15-21.
Variant type: copy number loss.
Change: copy number 1 (one copy instead of two) of chr6:92,468,126-109,410,569 (16.94 Mb, GRCh37 coordinates, 1-based), cytogenetic band 6q15-21.
Identifiers: ClinVar variation 2685211 (VCV002685211.1).